The following is an entry in ClinVar:

ClinVar aggregate classification (germline): Uncertain significance. Review status: criteria provided, multiple submitters, no conflicts (2 of 4 stars). 2 submissions from 2 submitters: Uncertain significance (2). Last evaluated 2024-10-24.

Conditions:
Immunodeficiency 75. Also called: IMMUNODEFICIENCY 75 WITH LYMPHOPROLIFERATION. Identifiers: Orphanet 664729, MedGen C5436860, MONDO:0030858, OMIM 619126.

gnomAD v4.1: 5 of 1,551,642 alleles (0.00032%); highest among the groups gnomAD compares: Admixed American, 0.002%; no homozygotes.

Submissions (2):

Labcorp Genetics (formerly Invitae), Labcorp
Classification: Uncertain significance. Last evaluated: 2024-10-24. Review status: criteria provided, single submitter. Criteria: Invitae Variant Classification Sherloc (09022015). Collection method: clinical testing. Allele origin: germline.
Comment: This sequence change replaces arginine, which is basic and polar, with histidine, which is basic and polar, at codon 1926 of the TET2 protein (p.Arg1926His). This variant is present in population databases (no rsID available, gnomAD 0.004%). This variant has not been reported in the literature in individuals affected with TET2-related conditions. ClinVar contains an entry for this variant (Variation ID: 2584597). An algorithm developed to predict the effect of missense changes on protein structure and function (PolyPhen-2) suggests that this variant is likely to be disruptive. In summary, the available evidence is currently insufficient to determine the role of this variant in disease. Therefore, it has been classified as a Variant of Uncertain Significance.

New York Genome Center
Classification: Uncertain significance for Immunodeficiency 75. Last evaluated: 2023-03-22. Review status: criteria provided, single submitter. Criteria: NYGC Assertion Criteria 2020. Collection method: clinical testing. Allele origin: inherited. Observed: 1 heterozygote.

NM_001127208.3(TET2):c.5777G>A (p.Arg1926His)

Genes: TET2-AS1 (TET2 antisense RNA 1; minus strand), TET2 (tet methylcytosine dioxygenase 2; plus strand). Cytogenetic location: 4q24.
Variant type: single nucleotide variant.
Coding change: c.5777G>A on transcript NM_001127208.3 (MANE Select); coding-DNA position 5777, G replaced by A.
Protein change: p.Arg1926His; replaces arginine 1926 with histidine.
Molecular consequence: missense variant.
Genome position (GRCh38, 1-based): chr4:105,276,287, G>A. VCF-style: chr4-105276287-G-A. GRCh37 (hg19) VCF-style: chr4-106197444-G-A.
Other names: short protein forms R1926H.
Identifiers: ClinVar variation 2584597 (VCV002584597.3), dbSNP rs1316795626, ClinGen allele CA357796495.
Genomic context (GRCh38, chr4:105,276,287, plus strand): 5'-GCATGAATGAGCCAAAACATGGCTTGGCTCTTTGGGAAGCCAAAATGGCTGAAAAAGCCC[G>A]TGAGAAAGAGGAAGAGTGTGAAAAGTATGGCCCAGACTATGTGCCTCAGAAATCCCATGG-3'
Protein context (NP_001120680.1, residues 1916-1936): LWEAKMAEKA[Arg1926His]EKEEECEKYG